The following is an entry in ClinVar:

ClinVar aggregate classification (germline): Uncertain significance (1 of 4 stars; one submission).

Conditions:
Autosomal recessive ataxia, Beauce type. Also called: SYNE1 Deficiency; Spinocerebellar ataxia, autosomal recessive 8; ATAXIA, RECESSIVE, OF BEAUCE; SYNE1-Related Autosomal Recessive Cerebellar Ataxia. Identifiers: Orphanet 88644, MedGen C1853116, MONDO:0012549, OMIM 610743.
Emery-Dreifuss muscular dystrophy 4, autosomal dominant (EDMD4). Also called: EMERY-DREIFUSS MUSCULAR DYSTROPHY 4 WITH VARIABLE FEATURES. Identifiers: Orphanet 261, MedGen C2751807, MONDO:0013071, OMIM 612998.

gnomAD v4.1: 2 of 1,614,104 alleles (0.00012%); highest among the groups gnomAD compares: Non-Finnish European, 0.00017%; no homozygotes.

Submission:

Labcorp Genetics (formerly Invitae), Labcorp
Classification: Uncertain significance for Emery-Dreifuss muscular dystrophy 4, autosomal dominant; Autosomal recessive ataxia, Beauce type. Last evaluated: 2023-08-04. Review status: criteria provided, single submitter. Criteria: Invitae Variant Classification Sherloc (09022015). Collection method: clinical testing. Allele origin: germline.
Comment: This variant is not present in population databases (gnomAD no frequency). This sequence change replaces alanine, which is neutral and non-polar, with threonine, which is neutral and polar, at codon 1957 of the SYNE1 protein (p.Ala1957Thr). This variant has not been reported in the literature in individuals affected with SYNE1-related conditions. ClinVar contains an entry for this variant (Variation ID: 2010937). Algorithms developed to predict the effect of missense changes on protein structure and function output the following: SIFT: "Not Available"; PolyPhen-2: "Benign"; Align-GVGD: "Not Available". The threonine amino acid residue is found in multiple mammalian species, which suggests that this missense change does not adversely affect protein function. In summary, the available evidence is currently insufficient to determine the role of this variant in disease. Therefore, it has been classified as a Variant of Uncertain Significance.

NM_182961.4(SYNE1):c.5848G>A (p.Ala1950Thr)

Gene: SYNE1 (spectrin repeat containing nuclear envelope protein 1; minus strand). Cytogenetic location: 6q25.2.
Variant type: single nucleotide variant.
Coding change: c.5848G>A on transcript NM_182961.4 (MANE Select); coding-DNA position 5848, G replaced by A.
Protein change: p.Ala1950Thr; replaces alanine 1950 with threonine.
Molecular consequence: missense variant.
Genome position (GRCh38, 1-based): chr6:152,416,589, C>T on the plus strand (G>A on the coding strand, the complement: SYNE1 is on the minus strand). VCF-style: chr6-152416589-C-T. GRCh37 (hg19) VCF-style: chr6-152737724-C-T.
Other names: c.5869G>A, p.Ala1957Thr (NM_033071.5); short protein forms A1950T, A1957T.
Identifiers: ClinVar variation 2010937 (VCV002010937.4), dbSNP rs2098159056, ClinGen allele CA366131922.